The following is an entry in ClinVar:

ClinVar aggregate classification (germline): Uncertain significance. Review status: criteria provided, multiple submitters, no conflicts (2 of 4 stars). 2 submissions from 2 submitters: Uncertain significance (2). Last evaluated 2025-11-04.

Conditions:
Glycogen storage disease, type IV (GSD4). Also called: AMYLOPECTINOSIS; ANDERSEN DISEASE; BRANCHER DEFICIENCY; CIRRHOSIS, FAMILIAL, WITH DEPOSITION OF ABNORMAL GLYCOGEN; GBE1 DEFICIENCY; GLYCOGEN BRANCHING ENZYME DEFICIENCY. Identifiers: Orphanet 367, MedGen C0017923, MONDO:0009292, OMIM 232500.
Glycogen storage disease IV, classic hepatic. Also called: GSD IV, CLASSIC HEPATIC. Identifiers: MedGen C1856301.

Allele frequency attached by ClinVar (database versions not stated): gnomAD 0.00001; TOPMed 0.00002.
gnomAD v4.1: 3 of 1,600,992 alleles (0.00019%); highest among the groups gnomAD compares: Non-Finnish European, 0.00026%; no homozygotes.

Submissions (2):

Labcorp Genetics (formerly Invitae), Labcorp
Classification: Uncertain significance for Glycogen storage disease, type IV; Glycogen storage disease IV, classic hepatic. Last evaluated: 2025-11-04. Review status: criteria provided, single submitter. Criteria: Invitae Variant Classification Sherloc (09022015). Collection method: clinical testing. Allele origin: germline.
Comment: This sequence change replaces methionine, which is neutral and non-polar, with isoleucine, which is neutral and non-polar, at codon 457 of the GBE1 protein (p.Met457Ile). This variant is not present in population databases (gnomAD no frequency). This variant has not been reported in the literature in individuals affected with GBE1-related conditions. ClinVar contains an entry for this variant (Variation ID: 809510). Invitae Evidence Modeling of protein sequence and biophysical properties (such as structural, functional, and spatial information, amino acid conservation, physicochemical variation, residue mobility, and thermodynamic stability) indicates that this missense variant is not expected to disrupt GBE1 protein function with a negative predictive value of 95%. In summary, the available evidence is currently insufficient to determine the role of this variant in disease. Therefore, it has been classified as a Variant of Uncertain Significance.

CeGaT Center for Human Genetics Tuebingen
Classification: Uncertain significance. Last evaluated: 2016-06-01. Review status: criteria provided, single submitter. Criteria: CeGaT Center For Human Genetics Tuebingen Variant Classification Criteria Version 2. Collection method: clinical testing. Allele origin: germline. Affected: yes. Observed: 1 variant allele.

NM_000158.4(GBE1):c.1371G>T (p.Met457Ile)

Gene: GBE1 (1,4-alpha-glucan branching enzyme 1; minus strand). Cytogenetic location: 3p12.2.
Variant type: single nucleotide variant.
Coding change: c.1371G>T on transcript NM_000158.4 (MANE Select); coding-DNA position 1371, G replaced by T.
Protein change: p.Met457Ile; replaces methionine 457 with isoleucine.
Molecular consequence: missense variant.
Genome position (GRCh38, 1-based): chr3:81,581,240, C>A on the plus strand (G>T on the coding strand, the complement: GBE1 is on the minus strand). VCF-style: chr3-81581240-C-A. GRCh37 (hg19) VCF-style: chr3-81630391-C-A.
Other names: short protein forms M457I.
Identifiers: ClinVar variation 809510 (VCV000809510.43), dbSNP rs1160545323, ClinGen allele CA353685102.
Genomic context (GRCh38, chr3:81,581,240, plus strand): 5'-TGCATAAGCAATGCACTTTTCAAGGTAGCGCCTGTTTGTGAGCGTGTATACTATATCGCC[C>A]ATGTTCCAGTCTTCATCTTTAAACTCTTTAAGTAGCTAGACACAAGAGAGAAAAATAAGC-3'
Protein context (NP_000149.4, residues 447-467): LKEFKDEDWN[Met457Ile]GDIVYTLTNR